The following is an entry in ClinVar:

ClinVar aggregate classification (germline): Likely pathogenic. Review status: reviewed by expert panel (3 of 4 stars). 2 submissions from 2 submitters: Likely pathogenic (1). 1 of the submissions does not count toward it. Last evaluated 2025-11-12.

Conditions:
Open-angle glaucoma. Identifiers: MedGen C0017612, MONDO:0005338, HP:0012108.
Glaucoma 1, open angle, A (GLC1A). Also called: Glaucoma, Dominant (Juvenile Onset). Identifiers: Orphanet 98977, MedGen C1842028, MONDO:0007664, OMIM 137750.

Submissions (2):

ClinGen Glaucoma Variant Curation Expert Panel
Classification: Likely pathogenic for Open-angle glaucoma. Last evaluated: 2025-11-12. Review status: reviewed by expert panel. Criteria: ClinGen Glaucoma ACMG Specifications V2.0.0 Approved. Collection method: curation. Allele origin: germline. Inheritance: Autosomal dominant inheritance.
Comment: The c.1430T>A variant in MYOC is a missense variant predicted to cause substitution of Isoleucine by Asparagine at amino acid 477 (p.Ile477Asn). This variant was not found in any genetic ancestry group of gnomAD (v4.1.0), meeting the ≤ 0.0001 threshold set for PM2_Supporting in a genetic ancestry group of at least 10,000 alleles. The REVEL score = 0.534, which was neither above nor below the thresholds for PP3 (≥ 0.644) or BP4 (≤ 0.290), predicting a damaging or benign impact on MYOC function. The Ile477Asn protein had increased insolubility, instability and reduced secretion levels compared to wild type myocilin protein in these studies (PMIDs: 16466712, 20334347, 21612213, 23129764, 36267417). The assays met the OddsPath threshold for PS3_Moderate (> 4.3), indicating that this variant did impact protein function. This protein has also been assessed in these other studies (PMIDs: 10545602, 11004290, 16297911, 27092720), however, the same level of evidence was not met. 34 segregations in 2 families, with juvenile or primary open angle glaucoma (JOAG or POAG), have been reported (PMIDs: 9754180, 9535666), which fulfilled PP1_Strong (≥7 meioses in >1 family). 3 probands with JOAG or POAG have been reported carrying this variant (PMIDs: 9754180, 9535666, ARVO Abstract), which met PS4_Supporting (≥ 2 probands). In summary, this variant met the criteria to receive a score of 8 and to be classified as likely pathogenic (likely pathogenic classification range 6 to 9, adapted from PMID: 32720330) for juvenile open angle glaucoma based on the ACMG/AMP criteria met, as specified by the ClinGen Glaucoma VCEP (v2.0.0, 5 Dec 2024): PP1_Strong, PS3_Moderate, PS4_Supporting, PM2_Supporting.

OMIM
Classification: Pathogenic for GLAUCOMA 1, OPEN ANGLE, A. Last evaluated: 1998-09-01. Review status: no assertion criteria provided. Collection method: literature only. Allele origin: germline. Not counted in ClinVar's aggregate classification.

Literature cited by the submitters: Stokes, W. H. Hereditary primary glaucoma. Arch. Ophthal. 24: 885-909, 1940. (cited by OMIM); PubMed 9754180 (cited by OMIM).

NM_000261.2(MYOC):c.1430T>A (p.Ile477Asn)

Gene: MYOC (myocilin; minus strand). Cytogenetic location: 1q24.3.
Variant type: single nucleotide variant.
Coding change: c.1430T>A on transcript NM_000261.2 (MANE Select); coding-DNA position 1430, T replaced by A.
Protein change: p.Ile477Asn; replaces isoleucine 477 with asparagine.
Molecular consequence: missense variant.
Genome position (GRCh38, 1-based): chr1:171,636,010, A>T on the plus strand (T>A on the coding strand, the complement: MYOC is on the minus strand). VCF-style: chr1-171636010-A-T. GRCh37 (hg19) VCF-style: chr1-171605150-A-T.
Other names: NM_000261.2(MYOC):c.1430T>A; short protein forms I477N.
Identifiers: ClinVar variation 30205 (VCV000030205.5), dbSNP rs74315331, ClinGen allele CA129023.